The following is an entry in ClinVar:

ClinVar aggregate classification (germline): Uncertain significance (1 of 4 stars; one submission).

Submission:

Labcorp Genetics (formerly Invitae), Labcorp
Classification: Uncertain significance. Last evaluated: 2025-03-31. Review status: criteria provided, single submitter. Criteria: Invitae Variant Classification Sherloc (09022015). Collection method: clinical testing. Allele origin: germline.
Comment: This sequence change replaces glutamine, which is neutral and polar, with arginine, which is basic and polar, at codon 299 of the CDH3 protein (p.Gln299Arg). This variant is not present in population databases (gnomAD no frequency). This variant has not been reported in the literature in individuals affected with CDH3-related conditions. ClinVar contains an entry for this variant (Variation ID: 2102062). Invitae Evidence Modeling of protein sequence and biophysical properties (such as structural, functional, and spatial information, amino acid conservation, physicochemical variation, residue mobility, and thermodynamic stability) indicates that this missense variant is not expected to disrupt CDH3 protein function with a negative predictive value of 80%. In summary, the available evidence is currently insufficient to determine the role of this variant in disease. Therefore, it has been classified as a Variant of Uncertain Significance.

NM_001793.6(CDH3):c.896A>G (p.Gln299Arg)

Gene: CDH3 (cadherin 3; plus strand). Cytogenetic location: 16q22.1.
Variant type: single nucleotide variant.
Coding change: c.896A>G on transcript NM_001793.6 (MANE Select); coding-DNA position 896, A replaced by G.
Protein change: p.Gln299Arg; replaces glutamine 299 with arginine.
Molecular consequence: missense variant.
Genome position (GRCh38, 1-based): chr16:68,680,996, A>G. VCF-style: chr16-68680996-A-G. GRCh37 (hg19) VCF-style: chr16-68714899-A-G.
Other names: c.896A>G, p.Gln299Arg (NM_001317195.3); c.731A>G, p.Gln244Arg (NM_001317196.2); short protein forms Q244R, Q299R.
Identifiers: ClinVar variation 2102062 (VCV002102062.4), dbSNP rs1961207778, ClinGen allele CA396451631.